The following is an entry in ClinVar:

NM_001113378.2(FANCI):c.2292-11_2292-8del

Gene: FANCI (FA complementation group I; plus strand). Cytogenetic location: 15q26.1.
Variant type: Deletion.
Coding change: c.2292-11_2292-8del on transcript NM_001113378.2 (MANE Select); 11 bases into the intron before coding-DNA position 2292 through 8 bases into the intron before coding-DNA position 2292, 4 bases deleted (GTTT; older notation c.2292-11_2292-8delGTTT).
Molecular consequence: intron variant.
Genome position (GRCh38, 1-based): chr15:89,293,822-89,293,825, GTTT deleted; deleting any 4 consecutive bases within chr15:89,293,819-89,293,825 gives the same sequence; the c. name uses the placement nearest the transcript's 3' end. VCF-style (leftmost placement, unchanged base first): chr15-89293818-TTTTG-T. GRCh37 (hg19) VCF-style: chr15-89837049-TTTTG-T.
Other names: c.2292-11_2292-8del (NM_018193.3, NM_001376911.1); c.2013-11_2013-8del (NM_001376910.1).
Identifiers: ClinVar variation 4700000 (VCV004700000.1).

ClinVar aggregate classification (germline): Uncertain significance (1 of 4 stars; one submission).

Conditions:
Fanconi anemia (FA). Also called: Fanconi's anemia. Identifiers: Orphanet 84, MedGen C0015625, MeSH D005199, MONDO:0019391.

Submission:

Labcorp Genetics (formerly Invitae), Labcorp
Classification: Uncertain significance for Fanconi anemia. Last evaluated: 2026-01-26. Review status: criteria provided, single submitter. Criteria: Invitae Variant Classification Sherloc (09022015). Collection method: clinical testing. Allele origin: germline.
Comment: This sequence change falls in intron 22 of the FANCI gene. It does not directly change the encoded amino acid sequence of the FANCI protein. This variant is not present in population databases (gnomAD no frequency). This variant has not been reported in the literature in individuals affected with FANCI-related conditions. Algorithms developed to predict the effect of sequence changes on RNA splicing suggest that this variant may disrupt the consensus splice site. In summary, the available evidence is currently insufficient to determine the role of this variant in disease. Therefore, it has been classified as a Variant of Uncertain Significance.